The following is an entry in ClinVar:

NM_002890.3(RASA1):c.2759-3_2759-2del

Genes: CCNH (cyclin H; minus strand), RASA1 (RAS p21 protein activator 1; plus strand). Cytogenetic location: 5q14.3.
Variant type: Deletion.
Coding change: c.2759-3_2759-2del on transcript NM_002890.3 (MANE Select); 3 bases into the intron before coding-DNA position 2759 through the canonical splice acceptor site of the intron before coding-DNA position 2759, 2 bases deleted (CA; older notation c.2759-3_2759-2delCA).
Molecular consequence: splice acceptor variant. On other transcripts: intron variant (1).
Genome position (GRCh38, 1-based): chr5:87,385,298-87,385,299, CA deleted; deleting any 2 consecutive bases within chr5:87,385,297-87,385,299 gives the same sequence; the c. name uses the placement nearest the transcript's 3' end. VCF-style (leftmost placement, unchanged base first): chr5-87385296-TAC-T. GRCh37 (hg19) VCF-style: chr5-86681113-TAC-T.
Other names: c.2228-3_2228-2del (NM_022650.3); c.933+9746_933+9747del (NM_001364075.2).
Identifiers: ClinVar variation 2024978 (VCV002024978.5), dbSNP rs2531379993, ClinGen allele CA2580073697.
Genomic context (GRCh38, chr5:87,385,296, plus strand): 5'-TATAATGGTTTAGCTGGAAGTGCTGTTGGACTTGGTGTCATTAGCTGTGCCCAATTCTGT[TAC>T]AGATTCTCCATCTCCTATTGCTGCAAGAACACTGATATTAGTGGCTAAATCTGTGCAGAA-3'

ClinVar aggregate classification (germline): Uncertain significance. Review status: criteria provided, multiple submitters, no conflicts (2 of 4 stars). 2 submissions from 2 submitters: Uncertain significance (2). Last evaluated 2023-11-13.

Conditions:
Capillary malformation-arteriovenous malformation syndrome. Also called: Capillary malformation-arteriovenous malformation. Identifiers: Orphanet 137667, MedGen C1842180, MONDO:0012016.

Submissions (2):

Greenwood Genetic Center Diagnostic Laboratories, Greenwood Genetic Center
Classification: Uncertain significance. Last evaluated: 2023-11-13. Review status: criteria provided, single submitter. Criteria: ACMG Guidelines, 2015. Collection method: clinical testing. Allele origin: germline. Affected: yes.
Comment: PM2

Labcorp Genetics (formerly Invitae), Labcorp
Classification: Uncertain significance for Capillary malformation-arteriovenous malformation syndrome. Last evaluated: 2021-12-02. Review status: criteria provided, single submitter. Criteria: Invitae Variant Classification Sherloc (09022015). Collection method: clinical testing. Allele origin: germline.
Comment: In summary, the available evidence is currently insufficient to determine the role of this variant in disease. Therefore, it has been classified as a Variant of Uncertain Significance. Variants that disrupt the consensus splice site are a relatively common cause of aberrant splicing (PMID: 17576681, 9536098). Algorithms developed to predict the effect of sequence changes on RNA splicing suggest that this variant may disrupt the consensus splice site. This variant has not been reported in the literature in individuals affected with RASA1-related conditions. This variant is not present in population databases (gnomAD no frequency). This sequence change falls in intron 21 of the RASA1 gene. It does not directly change the encoded amino acid sequence of the RASA1 protein. It affects a nucleotide within the consensus splice site.

Literature cited by the submitters: PubMed 17576681 (cited by Labcorp Genetics (formerly Invitae), Labcorp); PubMed 9536098 (cited by Labcorp Genetics (formerly Invitae), Labcorp).